The following is an entry in ClinVar:

ClinVar aggregate classification (germline): Pathogenic (1 of 4 stars; one submission).

Submission:

GeneDx
Classification: Pathogenic. Last evaluated: 2021-03-23. Review status: criteria provided, single submitter. Criteria: GeneDx Variant Classification Process June 2021. Collection method: clinical testing. Allele origin: germline. Affected: yes.
Comment: Frameshift variant predicted to result in protein truncation or nonsense mediated decay in a gene for which loss-of-function is a known mechanism of disease; Not observed in large population cohorts (Lek et al., 2016); Has not been previously published as pathogenic or benign to our knowledge

NM_001371623.1(TCOF1):c.1545del (p.Leu517fs)

Gene: TCOF1 (treacle ribosome biogenesis factor 1; plus strand). Cytogenetic location: 5q32.
Variant type: Deletion.
Coding change: c.1545del on transcript NM_001371623.1 (MANE Select); coding-DNA position 1545, one base deleted (G; older notation c.1545delG).
Protein change: p.Leu517fs; shifts the reading frame from leucine 517.
Molecular consequence: frameshift variant.
Genome position (GRCh38, 1-based): chr5:150,375,395, G deleted; the last of 4 consecutive G bases (chr5:150,375,392-150,375,395); deleting any one gives the same sequence. VCF-style (leftmost placement, unchanged base first): chr5-150375391-TG-T. GRCh37 (hg19) VCF-style: chr5-149754954-TG-T.
Other names: c.1314del, p.Leu440fs (NM_001135245.2, NM_000356.4); c.1545del, p.Leu517fs (NM_001195141.2, NM_001008657.3, NM_001135243.2 and 1 more transcripts); short protein forms L440fs, L517fs.
Identifiers: ClinVar variation 1213100 (VCV001213100.3), dbSNP rs2150714943, ClinGen allele CA2499217744.